The following is an entry in ClinVar:

ClinVar aggregate classification (germline): Uncertain significance (1 of 4 stars; one submission).

Submission:

Labcorp Genetics (formerly Invitae), Labcorp
Classification: Uncertain significance. Last evaluated: 2022-07-05. Review status: criteria provided, single submitter. Criteria: Invitae Variant Classification Sherloc (09022015). Collection method: clinical testing. Allele origin: germline.
Comment: The COL18A1 gene has multiple clinically relevant transcripts. This variant occurs in alternate transcript NM_030582.3, and corresponds to NM_130445.3:c.107-12630C>A in the primary transcript. This sequence change replaces leucine, which is neutral and non-polar, with methionine, which is neutral and non-polar, at codon 28 of the COL18A1 protein (p.Leu28Met). This variant is not present in population databases (gnomAD no frequency). This variant has not been reported in the literature in individuals affected with COL18A1-related conditions. ClinVar contains an entry for this variant (Variation ID: 1480862). Experimental studies and prediction algorithms are not available or were not evaluated, and the functional significance of this variant is currently unknown. In summary, the available evidence is currently insufficient to determine the role of this variant in disease. Therefore, it has been classified as a Variant of Uncertain Significance.

NM_001379500.1(COL18A1):c.107-12630C>A

Gene: COL18A1 (collagen type XVIII alpha 1 chain; plus strand). Cytogenetic location: 21q22.3.
Variant type: single nucleotide variant.
Coding change: c.107-12630C>A on transcript NM_001379500.1 (MANE Select); 12630 bases into the intron before coding-DNA position 107, C replaced by A.
Molecular consequence: intron variant. On other transcripts: missense variant (2).
Genome position (GRCh38, 1-based): chr21:45,455,612, C>A. VCF-style: chr21-45455612-C-A. GRCh37 (hg19) VCF-style: chr21-46875526-C-A.
Other names: c.82C>A, p.Leu28Met (NM_030582.4, NM_130444.3); short protein forms L28M.
Identifiers: ClinVar variation 1480862 (VCV001480862.8), dbSNP rs375363285, ClinGen allele CA410505089.